The following is an entry in ClinVar:

ClinVar aggregate classification (germline): Uncertain significance (0 of 4 stars; one submission).

Conditions:
NCOA1-related disorder. Also called: NCOA1-related condition.

Submission:

PreventionGenetics, part of Exact Sciences
Classification: Uncertain significance for NCOA1-related condition. Last evaluated: 2024-08-02. Review status: no assertion criteria provided. Collection method: clinical testing. Allele origin: germline.
Comment: The NCOA1 c.3725A>G variant is predicted to result in the amino acid substitution p.Glu1242Gly. To our knowledge, this variant has not been reported in the literature or in a large population database, indicating this variant is rare. At this time, the clinical significance of this variant is uncertain due to the absence of conclusive functional and genetic evidence.

NM_003743.5(NCOA1):c.3725A>G (p.Glu1242Gly)

Gene: NCOA1 (nuclear receptor coactivator 1; plus strand). Cytogenetic location: 2p23.3.
Variant type: single nucleotide variant.
Coding change: c.3725A>G on transcript NM_003743.5 (MANE Select); coding-DNA position 3725, A replaced by G.
Protein change: p.Glu1242Gly; replaces glutamic acid 1242 with glycine.
Molecular consequence: missense variant.
Genome position (GRCh38, 1-based): chr2:24,752,000, A>G. VCF-style: chr2-24752000-A-G. GRCh37 (hg19) VCF-style: chr2-24974869-A-G.
Other names: c.3725A>G, p.Glu1242Gly (NM_001362950.1, NM_001362952.1, NM_001362954.1 and 3 more transcripts); short protein forms E1242G.
Identifiers: ClinVar variation 3345141 (VCV003345141.1).